The following is an entry in ClinVar:

ClinVar aggregate classification (germline): Likely benign. Review status: criteria provided, single submitter (1 of 4 stars). 2 submissions from 2 submitters: Likely benign (1). 1 of the submissions does not count toward it. Last evaluated 2025-03-13.

Conditions:
SLIT2-related disorder. Also called: SLIT2-related condition.

Allele frequency attached by ClinVar (database versions not stated): gnomAD exomes below 0.00001; TOPMed below 0.00001; ExAC 0.00001; gnomAD 0.00001.
gnomAD v4.1: 5 of 1,600,492 alleles (0.00031%); highest among the groups gnomAD compares: East Asian, 0.011%; no homozygotes.

Submissions (2):

Labcorp Genetics (formerly Invitae), Labcorp
Classification: Likely benign. Last evaluated: 2025-03-13. Review status: criteria provided, single submitter. Criteria: Invitae Variant Classification Sherloc (09022015). Collection method: clinical testing. Allele origin: germline.

PreventionGenetics, part of Exact Sciences
Classification: Likely benign for SLIT2-related condition. Last evaluated: 2019-10-22. Review status: no assertion criteria provided. Collection method: clinical testing. Allele origin: germline. Not counted in ClinVar's aggregate classification.
Comment: This variant is classified as likely benign based on ACMG/AMP sequence variant interpretation guidelines (Richards et al. 2015 PMID: 25741868, with internal and published modifications).

NM_004787.4(SLIT2):c.2703C>T (p.Pro901=)

Gene: SLIT2 (slit guidance ligand 2; plus strand). Cytogenetic location: 4p15.31.
Variant type: single nucleotide variant.
Coding change: c.2703C>T on transcript NM_004787.4 (MANE Select); coding-DNA position 2703, C replaced by T.
Protein change: p.Pro901=; no amino-acid change (proline 901 retained).
Molecular consequence: synonymous variant.
Genome position (GRCh38, 1-based): chr4:20,553,946, C>T. VCF-style: chr4-20553946-C-T. GRCh37 (hg19) VCF-style: chr4-20555569-C-T.
Other names: c.2691C>T, p.Pro897= (NM_001289135.3); c.2679C>T, p.Pro893= (NM_001289136.3); c.2703C>T (NM_004787.3).
Identifiers: ClinVar variation 1950435 (VCV001950435.7), dbSNP rs763388154, ClinGen allele CA2871900.
Genomic context (GRCh38, chr4:20,553,946, plus strand): 5'-TGGAATTGCTCGTTGTGCTGGTCCTGGAGAAATGGCAGATAAACTTTTACTCACAACTCC[C>T]TCCAAAAAATTTACCTGTCAAGGTATGGTTTTTAATCATTTGTATTTCTTTTAAGAATTA-3'
Protein context (NP_004778.1, residues 891-911): EMADKLLLTT[Pro901=]SKKFTCQGPV